The following is an entry in ClinVar:

ClinVar aggregate classification (germline): Likely pathogenic (1 of 4 stars; one submission).

Conditions:
Seizures, benign familial infantile, 3 (BFIS3). Also called: CONVULSIONS, BENIGN FAMILIAL INFANTILE, 3; Familial neonatal seizures. Identifiers: Orphanet 140927, Orphanet 306, MedGen C1843140, MONDO:0011904, OMIM 607745.
Developmental and epileptic encephalopathy, 11 (DEE11). Also called: Early infantile epileptic encephalopathy 11. Identifiers: Orphanet 1934, MedGen C3150987, MONDO:0013388, OMIM 613721.

Submission:

Labcorp Genetics (formerly Invitae), Labcorp
Classification: Likely pathogenic for Seizures, benign familial infantile, 3; Developmental and epileptic encephalopathy, 11. Last evaluated: 2022-02-04. Review status: criteria provided, single submitter. Criteria: Invitae Variant Classification Sherloc (09022015). Collection method: clinical testing. Allele origin: germline.
Comment: In summary, the currently available evidence indicates that the variant is pathogenic, but additional data are needed to prove that conclusively. Therefore, this variant has been classified as Likely Pathogenic. Algorithms developed to predict the effect of sequence changes on RNA splicing suggest that this variant may disrupt the consensus splice site. ClinVar contains an entry for this variant (Variation ID: 854893). This variant has been observed in individual(s) with SCN2A-related disease (Invitae). In at least one individual the variant was observed to be de novo. This variant is not present in population databases (gnomAD no frequency). This sequence change falls in intron 22 of the SCN2A gene. It does not directly change the encoded amino acid sequence of the SCN2A protein.

NM_001040142.2(SCN2A):c.4255-6T>A

Gene: SCN2A (sodium voltage-gated channel alpha subunit 2; plus strand). Cytogenetic location: 2q24.3.
Variant type: single nucleotide variant.
Coding change: c.4255-6T>A on transcript NM_001040142.2 (MANE Select); 6 bases into the intron before coding-DNA position 4255, T replaced by A.
Molecular consequence: intron variant.
Genome position (GRCh38, 1-based): chr2:165,377,591, T>A. VCF-style: chr2-165377591-T-A. GRCh37 (hg19) VCF-style: chr2-166234101-T-A.
Other names: c.4255-6T>A (NM_001040143.2, NM_001371246.1, NM_001371247.1 and 1 more transcripts).
Identifiers: ClinVar variation 854893 (VCV000854893.13), dbSNP rs1701381827, ClinGen allele CA916082221.